The following is an entry in ClinVar:

NM_001135651.3(EIF2AK2):c.405C>G (p.Cys135Trp)

Gene: EIF2AK2 (eukaryotic translation initiation factor 2 alpha kinase 2; minus strand). Cytogenetic location: 2p22.2.
Variant type: single nucleotide variant.
Coding change: c.405C>G on transcript NM_001135651.3 (MANE Select); coding-DNA position 405, C replaced by G.
Protein change: p.Cys135Trp; replaces cysteine 135 with tryptophan.
Molecular consequence: missense variant.
Genome position (GRCh38, 1-based): chr2:37,139,742, G>C on the plus strand (C>G on the coding strand, the complement: EIF2AK2 is on the minus strand). VCF-style: chr2-37139742-G-C. GRCh37 (hg19) VCF-style: chr2-37366885-G-C.
Other names: c.405C>G, p.Cys135Trp (NM_001135652.3, NM_002759.4); short protein forms C135W.
Identifiers: ClinVar variation 4855871 (VCV004855871.1).

ClinVar aggregate classification (germline): Uncertain significance (1 of 4 stars; one submission).

Conditions:
Dystonia 33 (DYT33). Identifiers: MedGen C5562054, MONDO:0030513, OMIM 619687.

Submission:

3billion
Classification: Uncertain significance for Dystonia 33. Last evaluated: 2025-08-26. Review status: criteria provided, single submitter. Criteria: ACMG Guidelines, 2015. Collection method: clinical testing. Allele origin: germline. Affected: yes.
Comment: The variant is not observed in the gnomAD v4.1.0 dataset. Predicted Consequence/Location: Missense variant. Missense changes are a common disease-causing mechanism. Therefore, this variant is classified as VUS according to the recommendation of ACMG/AMP guideline.